The following is an entry in ClinVar:

ClinVar aggregate classification (germline): Uncertain significance (1 of 4 stars; one submission).

Submission:

GeneDx
Classification: Uncertain significance. Last evaluated: 2024-12-17. Review status: criteria provided, single submitter. Criteria: GeneDx Variant Classification Process June 2021. Collection method: clinical testing. Allele origin: germline. Affected: yes.
Comment: In-frame insertion of 3 amino acid(s) in a non-repeat region; Not observed at significant frequency in large population cohorts (gnomAD); Has not been previously published as pathogenic or benign to our knowledge

NM_001394372.1(BICRA):c.4670_4671insCACCAGGAC (p.Thr1557_Leu1558insThrArgThr)

Gene: BICRA (BRD4 interacting chromatin remodeling complex associated protein; plus strand). Cytogenetic location: 19q13.33.
Variant type: Insertion.
Coding change: c.4670_4671insCACCAGGAC on transcript NM_001394372.1 (MANE Select); coding-DNA positions 4670 to 4671, CACCAGGAC inserted.
Protein change: p.Thr1557_Leu1558insThrArgThr.
Genome position: GRCh38 VCF-style: chr19-47702395-G-GCCAGGACCA. GRCh37 (hg19) VCF-style: chr19-48205652-G-GCCAGGACCA.
Other names: c.4670_4671insCACCAGGAC, p.Thr1557_Leu1558insThrArgThr (NM_015711.3).
Identifiers: ClinVar variation 3906578 (VCV003906578.1).